The following is an entry in ClinVar:

NM_153717.3(EVC):c.2783-3C>A

Gene: EVC (EvC ciliary complex subunit 1; plus strand). Cytogenetic location: 4p16.2.
Variant type: single nucleotide variant.
Coding change: c.2783-3C>A on transcript NM_153717.3 (MANE Select); 3 bases into the intron before coding-DNA position 2783, C replaced by A.
Molecular consequence: intron variant.
Genome position (GRCh38, 1-based): chr4:5,810,336, C>A. VCF-style: chr4-5810336-C-A. GRCh37 (hg19) VCF-style: chr4-5812063-C-A.
Other names: c.2783-3C>A (NM_153717.2, NM_001306090.2).
Identifiers: ClinVar variation 2203512 (VCV002203512.7), dbSNP rs777914346, ClinGen allele CA2836697.

ClinVar aggregate classification (germline): Conflicting classifications of pathogenicity. Review status: criteria provided, conflicting classifications (1 of 4 stars). 2 submissions from 2 submitters: Likely pathogenic (1); Uncertain significance (1). Last evaluated 2025-04-18.

Conditions:
EVC-related disorder. Also called: EVC-related condition; EVC-related disorders.
Ellis-van Creveld syndrome (EVC). Also called: Chondroectodermal dysplasia; MESOECTODERMAL DYSPLASIA. Identifiers: Orphanet 289, MedGen C0013903, MONDO:0009162, OMIM 225500.
Curry-Hall syndrome (WAD). Also called: WEYERS ACRODENTAL DYSOSTOSIS. Identifiers: Orphanet 952, MedGen C0457013, MONDO:0008673, OMIM 193530.

Allele frequency attached by ClinVar (database versions not stated): TOPMed below 0.00001; ExAC 0.00001; gnomAD 0.00001; gnomAD exomes 0.00001.
gnomAD v4.1: 14 of 1,611,392 alleles (0.00087%); highest among the groups gnomAD compares: Admixed American, 0.0017%; no homozygotes.

Submissions (2):

PreventionGenetics, part of Exact Sciences
Classification: Likely pathogenic for EVC-related condition. Last evaluated: 2025-04-18. Review status: criteria provided, single submitter. Criteria: ACMG Guidelines, 2015. Collection method: clinical testing. Allele origin: germline.
Comment: The EVC c.2783-3C>A variant is predicted to interfere with splicing. This variant in the compound heterozygous condition along with a truncating variant in the EVC gene has been reported in one individual with Ellis-van Creveld syndrome (Hao et al. 2016. PubMed ID: 27453244). This variant is reported in 0.0029% of alleles in individuals of Latino descent in gnomAD. This variant is interpreted as likely pathogenic.

Labcorp Genetics (formerly Invitae), Labcorp
Classification: Uncertain significance for Curry-Hall syndrome; Ellis-van Creveld syndrome. Last evaluated: 2023-07-03. Review status: criteria provided, single submitter. Criteria: Invitae Variant Classification Sherloc (09022015). Collection method: clinical testing. Allele origin: germline.
Comment: In summary, the available evidence is currently insufficient to determine the role of this variant in disease. Therefore, it has been classified as a Variant of Uncertain Significance. This sequence change falls in intron 19 of the EVC gene. It does not directly change the encoded amino acid sequence of the EVC protein. It affects a nucleotide within the consensus splice site. The frequency data for this variant in the population databases is considered unreliable, as metrics indicate poor data quality at this position in the gnomAD database. This variant has been observed in individual(s) with Ellis-van Creveld syndrome (PMID: 27453244). ClinVar contains an entry for this variant (Variation ID: 2203512). Variants that disrupt the consensus splice site are a relatively common cause of aberrant splicing (PMID: 17576681, 9536098). Algorithms developed to predict the effect of sequence changes on RNA splicing suggest that this variant may disrupt the consensus splice site.

Literature cited by the submitters: PubMed 27453244 (cited by Labcorp Genetics (formerly Invitae), Labcorp); PubMed 17576681 (cited by Labcorp Genetics (formerly Invitae), Labcorp); PubMed 9536098 (cited by Labcorp Genetics (formerly Invitae), Labcorp).